The following is an entry in ClinVar:

NM_201596.3(CACNB2):c.456+68A>G

Gene: CACNB2 (calcium voltage-gated channel auxiliary subunit beta 2; plus strand). Cytogenetic location: 10p12.31.
Variant type: single nucleotide variant.
Coding change: c.456+68A>G on transcript NM_201596.3 (MANE Select); 68 bases into the intron after coding-DNA position 456, A replaced by G.
Molecular consequence: intron variant.
Genome position (GRCh38, 1-based): chr10:18,498,545, A>G. VCF-style: chr10-18498545-A-G. GRCh37 (hg19) VCF-style: chr10-18787474-A-G.
Other names: c.372+68A>G (NM_201571.4, NM_001167945.2, NM_201572.4); c.456+68A>G (NM_201593.3, NM_201597.3); c.291+68A>G (NM_000724.4, NM_001330060.2); c.294+68A>G (NM_201590.3); c.312+68A>G (NM_201570.3).
Identifiers: ClinVar variation 675474 (VCV000675474.1), dbSNP rs115414903, ClinGen allele CA15640337.
Genomic context (GRCh38, chr10:18,498,545, plus strand): 5'-GAATAATTTCATTTTCTAACAGCATGATGTTTCACCTTGACATACCATTTCTTATTTCCT[A>G]TTCATATGCCGTTTCTGTGAAGTAGCATTGCACATCGCTGCAGTTGTATAACACACATAA-3'

ClinVar aggregate classification (germline): Likely benign (1 of 4 stars; one submission).

Allele frequency attached by ClinVar (database versions not stated): gnomAD exomes 0.00047; gnomAD 0.00460 and 0.00493; TOPMed 0.00557; 1000 Genomes Project 30x 0.00640; 1000 Genomes Project 0.00679.
gnomAD v4.1: 1,404 of 1,523,546 alleles (0.092%); highest among the groups gnomAD compares: African/African-American, 1.6%; 12 homozygotes.

Submission:

GeneDx
Classification: Likely benign. Last evaluated: 2018-06-14. Review status: criteria provided, single submitter. Criteria: GeneDx Variant Classification (06012015). Collection method: clinical testing. Allele origin: germline. Affected: yes.
Comment: This variant is considered likely benign or benign based on one or more of the following criteria: it is a conservative change, it occurs at a poorly conserved position in the protein, it is predicted to be benign by multiple in silico algorithms, and/or has population frequency not consistent with disease.